The following is an entry in ClinVar:

NM_000744.7(CHRNA4):c.1169G>A (p.Gly390Glu)

Gene: CHRNA4 (cholinergic receptor nicotinic alpha 4 subunit; minus strand). Cytogenetic location: 20q13.33.
Variant type: single nucleotide variant.
Coding change: c.1169G>A on transcript NM_000744.7 (MANE Select); coding-DNA position 1169, G replaced by A.
Protein change: p.Gly390Glu; replaces glycine 390 with glutamic acid.
Molecular consequence: missense variant. On other transcripts: non-coding transcript variant (1).
Genome position (GRCh38, 1-based): chr20:63,350,242, C>T on the plus strand (G>A on the coding strand, the complement: CHRNA4 is on the minus strand). VCF-style: chr20-63350242-C-T. GRCh37 (hg19) VCF-style: chr20-61981594-C-T.
Other names: p.Gly390Glu; c.641G>A, p.Gly214Glu (NM_001256573.2); short protein forms G390E, G214E.
Identifiers: ClinVar variation 98306 (VCV000098306.16), dbSNP rs121912268, ClinGen allele CA150392.

ClinVar aggregate classification (germline): Conflicting classifications of pathogenicity. Review status: criteria provided, conflicting classifications (1 of 4 stars). 6 submissions from 6 submitters: Uncertain significance (2); Likely benign (3). 1 of the submissions does not count toward it. Last evaluated 2026-03-31.

Conditions:
Familial sleep-related hypermotor epilepsy. Also called: Autosomal Dominant Sleep-Related Hypermotor (Hyperkinetic) Epilepsy. Identifiers: Orphanet 98784, MedGen C3696898, MONDO:0000030.
Inborn genetic diseases. Identifiers: MedGen C0950123, MeSH D030342.
Tobacco use disorder. Identifiers: MedGen C0040336.
Autosomal dominant nocturnal frontal lobe epilepsy 1. Also called: EPILEPSY, NOCTURNAL FRONTAL LOBE, TYPE 1; CHRNA4-Related Nocturnal Frontal Lobe Epilepsy, Autosomal Dominant. Identifiers: Orphanet 98784, MedGen C1838049, MONDO:0010899, OMIM 600513.

Allele frequency attached by ClinVar (database versions not stated): ExAC 0.00006; gnomAD 0.00023 and 0.00024; gnomAD exomes 0.00002 and 0.00005; TOPMed 0.00023; 1000 Genomes Project 30x 0.00031.

Submissions (6):

Ambry Genetics
Classification: Likely benign for Inborn genetic diseases. Last evaluated: 2026-03-31. Review status: criteria provided, single submitter. Criteria: Ambry Variant Classification Scheme 2023. Collection method: clinical testing. Allele origin: germline.

Labcorp Genetics (formerly Invitae), Labcorp
Classification: Likely benign. Last evaluated: 2025-10-24. Review status: criteria provided, single submitter. Criteria: Invitae Variant Classification Sherloc (09022015). Collection method: clinical testing. Allele origin: germline.

Mayo Clinic Laboratories, Mayo Clinic
Classification: Uncertain significance. Last evaluated: 2023-10-11. Review status: criteria provided, single submitter. Criteria: ACMG Guidelines, 2015. Collection method: clinical testing. Allele origin: germline. Observed: 1 variant allele.
Comment: BP4

New York Genome Center
Classification: Uncertain significance for Autosomal dominant nocturnal frontal lobe epilepsy 1. Last evaluated: 2021-10-01. Review status: criteria provided, single submitter. Criteria: NYGC Assertion Criteria 2020. Collection method: clinical testing. Allele origin: germline. Observed: 1 heterozygote. Study: CSER-NYCKidSeq.

GeneDx
Classification: Likely benign. Last evaluated: 2018-12-19. Review status: criteria provided, single submitter. Criteria: GeneDx Variant Classification Process June 2021. Collection method: clinical testing. Allele origin: germline. Affected: yes.

Psychiatry Genetics Yale University
No classification provided. Review status: no classification provided. Collection method: not provided. Allele origin: somatic. Not counted in ClinVar's aggregate classification.